The following is an entry in ClinVar:

ClinVar aggregate classification (germline): Uncertain significance. Review status: criteria provided, multiple submitters, no conflicts (2 of 4 stars). 3 submissions from 3 submitters: Uncertain significance (2). 1 of the submissions does not count toward it. Last evaluated 2022-12-16.

Conditions:
SLC25A1-related disorder. Also called: SLC25A1-related condition.

Allele frequency attached by ClinVar (database versions not stated): TOPMed 0.00004; gnomAD 0.00014 and 0.00016; 1000 Genomes Project 30x 0.00016; 1000 Genomes Project 0.00020.

Submissions (3):

Blueprint Genetics
Classification: Uncertain significance. Last evaluated: 2022-12-16. Review status: criteria provided, single submitter. Criteria: ACMG Guidelines, 2015. Collection method: clinical testing. Allele origin: germline.

Genetic Services Laboratory, University of Chicago
Classification: Uncertain significance. Last evaluated: 2018-11-16. Review status: criteria provided, single submitter. Criteria: ACMG Guidelines, 2015. Collection method: clinical testing. Allele origin: germline. Affected: no.

PreventionGenetics, part of Exact Sciences
Classification: Uncertain significance for SLC25A1-related condition. Last evaluated: 2024-02-15. Review status: no assertion criteria provided. Collection method: clinical testing. Allele origin: germline. Not counted in ClinVar's aggregate classification.
Comment: The SLC25A1 c.19C>T variant is predicted to result in the amino acid substitution p.Pro7Ser. To our knowledge, this variant has not been reported in the literature. This variant is reported in 0.16% of alleles in individuals of European (Finnish) descent in gnomAD; however, it is indicated that allele frequencies in gnomAD by not be reliable. At this time, the clinical significance of this variant is uncertain due to the absence of conclusive functional and genetic evidence.

NM_005984.5(SLC25A1):c.19C>T (p.Pro7Ser)

Gene: SLC25A1 (solute carrier family 25 member 1; minus strand). Cytogenetic location: 22q11.21.
Variant type: single nucleotide variant.
Coding change: c.19C>T on transcript NM_005984.5 (MANE Select); coding-DNA position 19, C replaced by T.
Protein change: p.Pro7Ser; replaces proline 7 with serine.
Molecular consequence: missense variant. On other transcripts: non-coding transcript variant (1).
Genome position (GRCh38, 1-based): chr22:19,178,655, G>A on the plus strand (C>T on the coding strand, the complement: SLC25A1 is on the minus strand). VCF-style: chr22-19178655-G-A. GRCh37 (hg19) VCF-style: chr22-19166168-G-A.
Other names: short protein forms P7S.
Identifiers: ClinVar variation 1336925 (VCV001336925.7), dbSNP rs548005216, ClinGen allele CA321346620.